The following is an entry in ClinVar:

ClinVar aggregate classification (germline): Uncertain significance. Review status: criteria provided, multiple submitters, no conflicts (2 of 4 stars). 5 submissions from 5 submitters: Uncertain significance (5). Last evaluated 2025-09-04.

Conditions:
Lynch syndrome. Identifiers: Orphanet 144, MedGen C4552100, MONDO:0005835. Disease mechanism: loss of function.
Hereditary nonpolyposis colorectal neoplasms. Identifiers: MedGen C0009405, MeSH D003123.
Hereditary cancer-predisposing syndrome. Also called: Neoplastic Syndromes, Hereditary; Tumor predisposition; Hereditary Cancer Syndrome; Hereditary neoplastic syndrome. Identifiers: Orphanet 140162, MedGen C0027672, MeSH D009386, MONDO:0015356.
Endometrial carcinoma. Also called: Endometrial carcinoma, somatic. Identifiers: MedGen C0476089, MONDO:0002447, OMIM 608089, HP:0012114.

Submissions (5):

Ambry Genetics
Classification: Uncertain significance for Hereditary cancer-predisposing syndrome. Last evaluated: 2025-09-04. Review status: criteria provided, single submitter. Criteria: Ambry Variant Classification Scheme 2023. Collection method: clinical testing. Allele origin: germline.
Comment: The p.S144G variant (also known as c.430A>G), located in coding exon 2 of the MSH6 gene, results from an A to G substitution at nucleotide position 430. The serine at codon 144 is replaced by glycine, an amino acid with similar properties. This amino acid position is conserved. In addition, this alteration is predicted to be tolerated by in silico analysis. Since supporting evidence is limited at this time, the clinical significance of this alteration remains unclear.

Labcorp Genetics (formerly Invitae), Labcorp
Classification: Uncertain significance for Hereditary nonpolyposis colorectal neoplasms. Last evaluated: 2024-09-10. Review status: criteria provided, single submitter. Criteria: Invitae Variant Classification Sherloc (09022015). Collection method: clinical testing. Allele origin: germline.
Comment: This sequence change replaces serine, which is neutral and polar, with glycine, which is neutral and non-polar, at codon 144 of the MSH6 protein (p.Ser144Gly). This variant is not present in population databases (gnomAD no frequency). This variant has not been reported in the literature in individuals affected with MSH6-related conditions. ClinVar contains an entry for this variant (Variation ID: 920743). Invitae Evidence Modeling of protein sequence and biophysical properties (such as structural, functional, and spatial information, amino acid conservation, physicochemical variation, residue mobility, and thermodynamic stability) indicates that this missense variant is not expected to disrupt MSH6 protein function with a negative predictive value of 95%. In summary, the available evidence is currently insufficient to determine the role of this variant in disease. Therefore, it has been classified as a Variant of Uncertain Significance.

Color Diagnostics, LLC DBA Color Health
Classification: Uncertain significance for Hereditary cancer-predisposing syndrome. Last evaluated: 2024-03-06. Review status: criteria provided, single submitter. Criteria: ACMG Guidelines, 2015. Collection method: clinical testing. Allele origin: germline.
Comment: This missense variant replaces serine with glycine at codon 144 of the MSH6 protein. Computational prediction suggests that this variant may not impact protein structure and function (internally defined REVEL score threshold <= 0.5, PMID: 27666373). To our knowledge, functional studies have not been reported for this variant. This variant has not been reported in individuals affected with MSH6-related disorders in the literature. This variant has not been identified in the general population by the Genome Aggregation Database (gnomAD). The available evidence is insufficient to determine the role of this variant in disease conclusively. Therefore, this variant is classified as a Variant of Uncertain Significance.

Baylor Genetics
Classification: Uncertain significance for Endometrial carcinoma. Last evaluated: 2024-01-22. Review status: criteria provided, single submitter. Criteria: ACMG Guidelines, 2015. Collection method: clinical testing. Allele origin: unknown.

All of Us Research Program, National Institutes of Health
Classification: Uncertain significance for Lynch syndrome. Last evaluated: 2023-08-23. Review status: criteria provided, single submitter. Criteria: ACMG Guidelines, 2015. Collection method: clinical testing. Allele origin: germline. Inheritance: Autosomal dominant inheritance. Observed: 1 variant allele, 1 heterozygote.
Comment: This missense variant replaces serine with glycine at codon 144 of the MSH6 protein. Computational prediction suggests that this variant may not impact protein structure and function (internally defined REVEL score threshold <= 0.5, PMID: 27666373). To our knowledge, functional studies have not been reported for this variant. This variant has not been reported in individuals affected with MSH6-related disorders in the literature. This variant has not been identified in the general population by the Genome Aggregation Database (gnomAD). The available evidence is insufficient to determine the role of this variant in disease conclusively. Therefore, this variant is classified as a Variant of Uncertain Significance.

This study involves interpretation of variants in research participants for the purpose of population health screening. Participant phenotype was not available at the time of variant classification. Additional details can be found in publication PMID: 35346344, PMCID: PMC8962531

NM_000179.3(MSH6):c.430A>G (p.Ser144Gly)

Gene: MSH6 (mutS homolog 6; plus strand). Cytogenetic location: 2p16.3.
Variant type: single nucleotide variant.
Coding change: c.430A>G on transcript NM_000179.3 (MANE Select); coding-DNA position 430, A replaced by G.
Protein change: p.Ser144Gly; replaces serine 144 with glycine.
Molecular consequence: missense variant. On other transcripts: 5 prime UTR variant (2), intron variant (1).
Genome position (GRCh38, 1-based): chr2:47,791,096, A>G. VCF-style: chr2-47791096-A-G. GRCh37 (hg19) VCF-style: chr2-48018235-A-G.
Other names: c.-307A>G (NM_001281493.2); c.-473A>G (NM_001281494.2); c.238-7515A>G (NM_001281492.2); short protein forms S144G.
Identifiers: ClinVar variation 920743 (VCV000920743.13), dbSNP rs1668701906, ClinGen allele CA346737154.